The following is an entry in ClinVar:

NM_016277.5(RAB23):c.482-9T>G

Gene: RAB23 (RAB23, member RAS oncogene family; minus strand). Cytogenetic location: 6p12.1.
Variant type: single nucleotide variant.
Coding change: c.482-9T>G on transcript NM_016277.5 (MANE Select); 9 bases into the intron before coding-DNA position 482, T replaced by G.
Molecular consequence: intron variant.
Genome position (GRCh38, 1-based): chr6:57,193,943, A>C on the plus strand (T>G on the coding strand, the complement: RAB23 is on the minus strand). VCF-style: chr6-57193943-A-C. GRCh37 (hg19) VCF-style: chr6-57058741-A-C.
Other names: c.482-9T>G (NM_183227.2, NM_001278666.2, NM_001278667.2 and 2 more transcripts).
Identifiers: ClinVar variation 1586254 (VCV001586254.10), dbSNP rs777259479, ClinGen allele CA3873792.

ClinVar aggregate classification (germline): Likely benign. Review status: criteria provided, single submitter (1 of 4 stars). 2 submissions from 2 submitters: Likely benign (1). 1 of the submissions does not count toward it. Last evaluated 2022-02-09.

Conditions:
RAB23-related disorder. Also called: RAB23-related condition.
Carpenter syndrome. Identifiers: Orphanet 65759, MedGen C1275078, MONDO:0019012.

Allele frequency attached by ClinVar (database versions not stated): gnomAD exomes below 0.00001; ExAC 0.00001; gnomAD 0.00001; TOPMed 0.00002.

Submissions (2):

Labcorp Genetics (formerly Invitae), Labcorp
Classification: Likely benign for Carpenter syndrome. Last evaluated: 2022-02-09. Review status: criteria provided, single submitter. Criteria: Invitae Variant Classification Sherloc (09022015). Collection method: clinical testing. Allele origin: germline.

PreventionGenetics, part of Exact Sciences
Classification: Likely benign for RAB23-related condition. Last evaluated: 2023-06-12. Review status: no assertion criteria provided. Collection method: clinical testing. Allele origin: germline. Not counted in ClinVar's aggregate classification.
Comment: This variant is classified as likely benign based on ACMG/AMP sequence variant interpretation guidelines (Richards et al. 2015 PMID: 25741868, with internal and published modifications).